The following is an entry in ClinVar:

NM_006218.4(PIK3CA):c.2239G>A (p.Ala747Thr)

Gene: PIK3CA (phosphatidylinositol-4,5-bisphosphate 3-kinase catalytic subunit alpha; plus strand). Cytogenetic location: 3q26.32.
Variant type: single nucleotide variant.
Coding change: c.2239G>A on transcript NM_006218.4 (MANE Select); coding-DNA position 2239, G replaced by A.
Protein change: p.Ala747Thr; replaces alanine 747 with threonine.
Molecular consequence: missense variant.
Genome position (GRCh38, 1-based): chr3:179,224,132, G>A. VCF-style: chr3-179224132-G-A. GRCh37 (hg19) VCF-style: chr3-178941920-G-A.
Other names: short protein forms A747T.
Identifiers: ClinVar variation 2495968 (VCV002495968.2), dbSNP rs752782033, ClinGen allele CA2710908.

ClinVar aggregate classification (germline): Uncertain significance (1 of 4 stars; one submission).

Conditions:
Inborn genetic diseases. Identifiers: MedGen C0950123, MeSH D030342.

Allele frequency attached by ClinVar (database versions not stated): ExAC 0.00001; gnomAD exomes 0.00001.

Submission:

Ambry Genetics
Classification: Uncertain significance for Inborn genetic diseases. Last evaluated: 2022-12-23. Review status: criteria provided, single submitter. Criteria: Ambry Variant Classification Scheme 2023. Collection method: clinical testing. Allele origin: germline.
Comment: The p.A747T variant (also known as c.2239G>A), located in coding exon 14 of the PIK3CA gene, results from a G to A substitution at nucleotide position 2239. The alanine at codon 747 is replaced by threonine, an amino acid with similar properties. This amino acid position is conserved. In addition, this alteration is predicted to be deleterious by in silico analysis. Since supporting evidence is limited at this time, the clinical significance of this alteration remains unclear.